The following is an entry in ClinVar:

NM_003070.5(SMARCA2):c.3956C>A (p.Ala1319Asp)

Gene: SMARCA2 (SWI/SNF related BAF chromatin remodeling complex subunit ATPase 2; plus strand). Cytogenetic location: 9p24.3.
Variant type: single nucleotide variant.
Coding change: c.3956C>A on transcript NM_003070.5 (MANE Select); coding-DNA position 3956, C replaced by A.
Protein change: p.Ala1319Asp; replaces alanine 1319 with aspartic acid.
Molecular consequence: missense variant.
Genome position (GRCh38, 1-based): chr9:2,123,912, C>A. VCF-style: chr9-2123912-C-A. GRCh37 (hg19) VCF-style: chr9-2123912-C-A.
Other names: c.3956C>A, p.Ala1319Asp (NM_001289396.2, NM_139045.4); c.3782C>A, p.Ala1261Asp (NM_001289397.2); short protein forms A1261D, A1319D.
Identifiers: ClinVar variation 5020771 (VCV005020771.1).

ClinVar aggregate classification (germline): Uncertain significance (1 of 4 stars; one submission).

Submission:

Dasa
Classification: Uncertain significance. Last evaluated: 2025-12-05. Review status: criteria provided, single submitter. Criteria: DASA Assertion Criteria. Collection method: clinical testing. Allele origin: germline.
Comment: NM_003070.5(SMARCA2):c.3956C>A (p.Ala1319Asp) is a missense variant that results in the substitution of alanine with aspartic acid. This variant is rare in population databases. The currently available literature and clinical evidence are not sufficient to establish a definitive association between this variant and the reported condition. Therefore, this variant is classified as a variant of uncertain significance.